The following is an entry in ClinVar:

ClinVar aggregate classification (germline): Uncertain significance. Review status: criteria provided, multiple submitters, no conflicts (2 of 4 stars). 2 submissions from 2 submitters: Uncertain significance (2). Last evaluated 2024-11-29.

Conditions:
Inborn genetic diseases. Identifiers: MedGen C0950123, MeSH D030342.

Allele frequency attached by ClinVar (database versions not stated): gnomAD 0.00002; TOPMed 0.00006.

Submissions (2):

Ambry Genetics
Classification: Uncertain significance for Inborn genetic diseases. Last evaluated: 2024-11-29. Review status: criteria provided, single submitter. Criteria: Ambry Variant Classification Scheme 2023. Collection method: clinical testing. Allele origin: germline.

Labcorp Genetics (formerly Invitae), Labcorp
Classification: Uncertain significance. Last evaluated: 2022-10-13. Review status: criteria provided, single submitter. Criteria: Invitae Variant Classification Sherloc (09022015). Collection method: clinical testing. Allele origin: germline.
Comment: This sequence change replaces glutamic acid, which is acidic and polar, with aspartic acid, which is acidic and polar, at codon 6 of the GFER protein (p.Glu6Asp). This variant is not present in population databases (gnomAD no frequency). This variant has not been reported in the literature in individuals affected with GFER-related conditions. Algorithms developed to predict the effect of missense changes on protein structure and function (SIFT, PolyPhen-2, Align-GVGD) all suggest that this variant is likely to be tolerated. In summary, the available evidence is currently insufficient to determine the role of this variant in disease. Therefore, it has been classified as a Variant of Uncertain Significance.

NM_005262.3(GFER):c.18G>C (p.Glu6Asp)

Genes: GFER (growth factor, augmenter of liver regeneration; plus strand), LOC130058203 (ATAC-STARR-seq lymphoblastoid silent region 7014; plus strand). Cytogenetic location: 16p13.3.
Variant type: single nucleotide variant.
Coding change: c.18G>C on transcript NM_005262.3 (MANE Select); coding-DNA position 18, G replaced by C.
Protein change: p.Glu6Asp; replaces glutamic acid 6 with aspartic acid.
Molecular consequence: missense variant.
Genome position (GRCh38, 1-based): chr16:1,984,236, G>C. VCF-style: chr16-1984236-G-C. GRCh37 (hg19) VCF-style: chr16-2034237-G-C.
Other names: c.18G>C (NM_005262.2); short protein forms E6D.
Identifiers: ClinVar variation 1934379 (VCV001934379.3), dbSNP rs1010125617, ClinGen allele CA276772872.